The following is an entry in ClinVar:

ClinVar aggregate classification (germline): Uncertain significance. Review status: criteria provided, multiple submitters, no conflicts (2 of 4 stars). 2 submissions from 2 submitters: Uncertain significance (2). Last evaluated 2026-01-11.

Conditions:
Inborn genetic diseases. Identifiers: MedGen C0950123, MeSH D030342.

Allele frequency attached by ClinVar (database versions not stated): gnomAD 0.00001; gnomAD exomes 0.00002 and 0.00004; TOPMed 0.00003; ExAC 0.00004.
gnomAD v4.1: 30 of 1,613,502 alleles (0.0019%); highest among the groups gnomAD compares: Admixed American, 0.013%; no homozygotes.

Submissions (2):

Labcorp Genetics (formerly Invitae), Labcorp
Classification: Uncertain significance. Last evaluated: 2026-01-11. Review status: criteria provided, single submitter. Criteria: Invitae Variant Classification Sherloc (09022015). Collection method: clinical testing. Allele origin: germline.
Comment: This sequence change replaces alanine, which is neutral and non-polar, with threonine, which is neutral and polar, at codon 576 of the CSF2RB protein (p.Ala576Thr). This variant is present in population databases (rs773437114, gnomAD 0.02%). This variant has not been reported in the literature in individuals affected with CSF2RB-related conditions. ClinVar contains an entry for this variant (Variation ID: 1407038). Invitae Evidence Modeling of protein sequence and biophysical properties (such as structural, functional, and spatial information, amino acid conservation, physicochemical variation, residue mobility, and thermodynamic stability) indicates that this missense variant is not expected to disrupt CSF2RB protein function with a negative predictive value of 80%. In summary, the available evidence is currently insufficient to determine the role of this variant in disease. Therefore, it has been classified as a Variant of Uncertain Significance.

Ambry Genetics
Classification: Uncertain significance for Inborn genetic diseases. Last evaluated: 2025-01-03. Review status: criteria provided, single submitter. Criteria: Ambry Variant Classification Scheme 2023. Collection method: clinical testing. Allele origin: germline.

NM_000395.3(CSF2RB):c.1726G>A (p.Ala576Thr)

Gene: CSF2RB (colony stimulating factor 2 receptor subunit beta; plus strand). Cytogenetic location: 22q12.3.
Variant type: single nucleotide variant.
Coding change: c.1726G>A on transcript NM_000395.3 (MANE Select); coding-DNA position 1726, G replaced by A.
Protein change: p.Ala576Thr; replaces alanine 576 with threonine.
Molecular consequence: missense variant.
Genome position (GRCh38, 1-based): chr22:36,937,534, G>A. VCF-style: chr22-36937534-G-A. GRCh37 (hg19) VCF-style: chr22-37333576-G-A.
Other names: c.1726G>A (NM_000395.2); short protein forms A576T.
Identifiers: ClinVar variation 1407038 (VCV001407038.7), dbSNP rs773437114, ClinGen allele CA10213969.
Genomic context (GRCh38, chr22:36,937,534, plus strand): 5'-CCAGCTGCCTCAGATCTACCCACAGAGCAGCCCCCCAGCCCCCAGCCAGGCCCGCCTGCC[G>A]CCTCCCACACACCTGAGAAACAGGCTTCCAGCTTTGACTTCAATGGGCCCTACCTGGGGC-3'
Protein context (NP_000386.1, residues 566-586): PPSPQPGPPA[Ala576Thr]SHTPEKQASS